The following is an entry in ClinVar:

ClinVar aggregate classification (germline): Uncertain significance (1 of 4 stars; one submission).

Allele frequency attached by ClinVar (database versions not stated): gnomAD exomes below 0.00001.
gnomAD v4.1: 2 of 1,611,992 alleles (0.00012%); highest among the groups gnomAD compares: South Asian, 0.0011%; no homozygotes.

Submissions (2):

Labcorp Genetics (formerly Invitae), Labcorp
Classification: Uncertain significance. Last evaluated: 2021-05-21. Review status: criteria provided, single submitter. Criteria: Invitae Variant Classification Sherloc (09022015). Collection method: clinical testing. Allele origin: germline.
Comment: In summary, the available evidence is currently insufficient to determine the role of this variant in disease. Therefore, it has been classified as a Variant of Uncertain Significance. Algorithms developed to predict the effect of sequence changes on RNA splicing suggest that this variant may create or strengthen a splice site, but this prediction has not been confirmed by published transcriptional studies. Algorithms developed to predict the effect of missense changes on protein structure and function (SIFT, PolyPhen-2, Align-GVGD) all suggest that this variant is likely to be tolerated, but these predictions have not been confirmed by published functional studies and their clinical significance is uncertain. This variant has not been reported in the literature in individuals with POLE-related conditions. This variant is not present in population databases (ExAC no frequency). This sequence change replaces leucine with valine at codon 1281 of the POLE protein (p.Leu1281Val). The leucine residue is moderately conserved and there is a small physicochemical difference between leucine and valine.

Dr. Peter K. Rogan Lab, Western University
No classification provided (evidence only). Condition: Thyroid cancer, nonmedullary, 1. Review status: no classification provided. Collection method: in vitro. Allele origin: not applicable. Functional consequence: retained intron. Not counted in ClinVar's aggregate classification.

NM_006231.4(POLE):c.3841C>G (p.Leu1281Val)

Gene: POLE (DNA polymerase epsilon, catalytic subunit; minus strand). Cytogenetic location: 12q24.33.
Variant type: single nucleotide variant.
Coding change: c.3841C>G on transcript NM_006231.4 (MANE Select); coding-DNA position 3841, C replaced by G.
Protein change: p.Leu1281Val; replaces leucine 1281 with valine.
Molecular consequence: missense variant.
Genome position (GRCh38, 1-based): chr12:132,649,470, G>C on the plus strand (C>G on the coding strand, the complement: POLE is on the minus strand). VCF-style: chr12-132649470-G-C. GRCh37 (hg19) VCF-style: chr12-133226056-G-C.
Other names: short protein forms L1281V.
Identifiers: ClinVar variation 1355924 (VCV001355924.9), dbSNP rs1267471123, ClinGen allele CA387385475.